The following is an entry in ClinVar:

ClinVar aggregate classification (germline): Pathogenic (1 of 4 stars; one submission).

Submission:

Labcorp Genetics (formerly Invitae), Labcorp
Classification: Pathogenic. Last evaluated: 2024-09-05. Review status: criteria provided, single submitter. Criteria: Invitae Variant Classification Sherloc (09022015). Collection method: clinical testing. Allele origin: germline.
Comment: This sequence change creates a premature translational stop signal (p.Glu1025Aspfs*15) in the SLC12A1 gene. It is expected to result in an absent or disrupted protein product. Loss-of-function variants in SLC12A1 are known to be pathogenic (PMID: 8640224, 9585600, 19096086). This variant is not present in population databases (gnomAD no frequency). This variant has not been reported in the literature in individuals affected with SLC12A1-related conditions. For these reasons, this variant has been classified as Pathogenic.

Literature cited by the submitters: PubMed 8640224; PubMed 9585600; PubMed 19096086.

NM_000338.3(SLC12A1):c.3075del (p.Glu1025fs)

Gene: SLC12A1 (solute carrier family 12 member 1; plus strand). Cytogenetic location: 15q21.1.
Variant type: Deletion.
Coding change: c.3075del on transcript NM_000338.3 (MANE Select); coding-DNA position 3075, one base deleted (A; older notation c.3075delA).
Protein change: p.Glu1025fs; shifts the reading frame from glutamic acid 1025.
Molecular consequence: frameshift variant.
Genome position (GRCh38, 1-based): chr15:48,299,254, A deleted; the last of 2 consecutive A bases (chr15:48,299,253-48,299,254); deleting either gives the same sequence. VCF-style (leftmost placement, unchanged base first): chr15-48299252-GA-G. GRCh37 (hg19) VCF-style: chr15-48591449-GA-G.
Other names: c.3075del, p.Glu1025fs (NM_001184832.2, NM_001384136.1); short protein forms E1025fs.
Identifiers: ClinVar variation 2804635 (VCV002804635.3), dbSNP rs2505219470, ClinGen allele CA2739269438.